The following is an entry in ClinVar:

NM_000548.5(TSC2):c.4927A>C (p.Asn1643His)

Gene: TSC2 (TSC complex subunit 2; plus strand). Cytogenetic location: 16p13.3.
Variant type: single nucleotide variant.
Coding change: c.4927A>C on transcript NM_000548.5 (MANE Select); coding-DNA position 4927, A replaced by C.
Protein change: p.Asn1643His; replaces asparagine 1643 with histidine.
Molecular consequence: missense variant.
Genome position (GRCh38, 1-based): chr16:2,086,809, A>C. VCF-style: chr16-2086809-A-C. GRCh37 (hg19) VCF-style: chr16-2136810-A-C.
Other names: c.4726A>C, p.Asn1576His (NM_001077183.3); c.4858A>C, p.Asn1620His (NM_001114382.3); c.4618A>C, p.Asn1540His (NM_001318827.2); c.4582A>C, p.Asn1528His (NM_001318829.2); c.4195A>C, p.Asn1399His (NM_001318831.2); c.4759A>C, p.Asn1587His (NM_001318832.2); c.4729A>C, p.Asn1577His (NM_001363528.2); c.4795A>C, p.Asn1599His (NM_001370404.1); and 1 more; short protein forms N1643H, N1620H, N1399H, N1528H, N1540H, N1576H, N1587H, N1599H.
Identifiers: ClinVar variation 49910 (VCV000049910.3), dbSNP rs45517379, ClinGen allele CA021298.

ClinVar aggregate classification (germline): Pathogenic. Review status: criteria provided, single submitter (1 of 4 stars). 2 submissions from 2 submitters: Pathogenic (1). 1 of the submissions does not count toward it. Last evaluated 2017-03-22.

Conditions:
Tuberous sclerosis syndrome (TSC). Also called: Tuberous Sclerosis Complex; Tuberous sclerosis. Identifiers: Orphanet 805, MedGen C0041341, MONDO:0001734.

Submissions (2):

GeneDx
Classification: Pathogenic. Last evaluated: 2017-03-22. Review status: criteria provided, single submitter. Criteria: GeneDx Variant Classification (06012015). Collection method: clinical testing. Allele origin: germline. Affected: yes.
Comment: The N1643H variant in the TSC2 gene has been reported previously in an individual with a clinical diagnosis of TSC (Dabora et al., 2001). Functional studies indicate that N1643H disrupts the TSC1â€“TSC2 complex (Hoogeveen-Westerveld et al. 2011). The N1643H variant is not observed in large population cohorts (Lek et al., 2016; 1000 Genomes Consortium et al., 2015; Exome Variant Server). The N1643H variant is a semi-conservative amino acid substitution, which may impact secondary protein structure as these residues differ in some properties. This substitution occurs at a position that is conserved across species. Additionally, multiple missense variants at the same position (N1643I, N1643S, N1643K) as well as multiple missense variants in nearby residues have been reported in the Human Gene Mutation Database in association with TSC (Stenson et al., 2014), supporting the functional importance of this region of the protein.

Tuberous sclerosis database (TSC2)
No classification provided. Condition: TSC. Review status: no classification provided. Criteria: Tuberous Sclerosis Database Assertion Criteria 2015. Collection method: curation. Allele origin: germline. Affected: yes. Not counted in ClinVar's aggregate classification.